The following is an entry in ClinVar:

ClinVar aggregate classification (germline): Pathogenic/Likely pathogenic. Review status: criteria provided, multiple submitters, no conflicts (2 of 4 stars). 2 submissions from 2 submitters: Pathogenic (1); Likely pathogenic (1). Last evaluated 2024-06-25.

Conditions:
Multiple acyl-CoA dehydrogenase deficiency (MADD). Also called: ETHYLMALONIC-ADIPICACIDURIA; GA II; Glutaric aciduria, type 2; Glutaric acidemia type II; GA 2; Glutaric Acidemia type 2. Identifiers: Orphanet 26791, MedGen C0268596, MONDO:0009282, OMIM 231680.

gnomAD v4.1: 1 of 1,608,700 alleles (0.000062%); highest among the groups gnomAD compares: Non-Finnish European, 0.000085%; no homozygotes.

Submissions (2):

Fulgent Genetics
Classification: Likely pathogenic for Multiple acyl-CoA dehydrogenase deficiency. Last evaluated: 2024-06-25. Review status: criteria provided, single submitter. Criteria: ACMG Guidelines, 2015. Collection method: clinical testing. Allele origin: germline.

GeneDx
Classification: Pathogenic. Last evaluated: 2013-03-28. Review status: criteria provided, single submitter. Criteria: GeneDx Variant Classification (06012015). Collection method: clinical testing. Allele origin: germline. Affected: yes.
Comment: c.175+1 G>C: IVS2+1 G>C in intron 2 of the ETFDH gene (NM_004453.2) The c.175+1 G>C splice site mutation in the ETFDH gene destroys the canonical splice donor site in intron 2. It is predicted to cause abnormal gene splicing, either leading to an abnormal message that is subject to nonsense-mediated mRNA decay, or to an abnormal protein product if the message is used for protein translation. Although this mutation has not been previously reported to our knowledge, it is expected to be a pathogenic mutation. The variant is found in MITONUC-MITOP panel(s).

NM_004453.4(ETFDH):c.175+1G>C

Gene: ETFDH (electron transfer flavoprotein dehydrogenase; plus strand). Cytogenetic location: 4q32.1.
Variant type: single nucleotide variant.
Coding change: c.175+1G>C on transcript NM_004453.4 (MANE Select); the canonical splice donor site of the intron after coding-DNA position 175, G replaced by C.
Molecular consequence: splice donor variant. On other transcripts: intron variant (1).
Genome position (GRCh38, 1-based): chr4:158,680,608, G>C. VCF-style: chr4-158680608-G-C. GRCh37 (hg19) VCF-style: chr4-159601760-G-C.
Other names: c.35-1587G>C (NM_001281737.2).
Identifiers: ClinVar variation 203726 (VCV000203726.3), dbSNP rs796051961, ClinGen allele CA312551.